The following is an entry in ClinVar:

NM_145868.2(ANXA11):c.1069G>A (p.Ala357Thr)

Gene: ANXA11 (annexin A11; minus strand). Cytogenetic location: 10q22.3.
Variant type: single nucleotide variant.
Coding change: c.1069G>A on transcript NM_145868.2 (MANE Select); coding-DNA position 1069, G replaced by A.
Protein change: p.Ala357Thr; replaces alanine 357 with threonine.
Molecular consequence: missense variant.
Genome position (GRCh38, 1-based): chr10:80,163,366, C>T on the plus strand (G>A on the coding strand, the complement: ANXA11 is on the minus strand). VCF-style: chr10-80163366-C-T. GRCh37 (hg19) VCF-style: chr10-81923122-C-T.
Other names: c.1069G>A, p.Ala357Thr (NM_001157.3, NM_001278407.2, NM_001278408.2 and 1 more transcripts); c.970G>A, p.Ala324Thr (NM_001278409.2); short protein forms A324T, A357T.
Identifiers: ClinVar variation 2071174 (VCV002071174.4), dbSNP rs760637842, ClinGen allele CA5575949.

ClinVar aggregate classification (germline): Uncertain significance (1 of 4 stars; one submission).

Allele frequency attached by ClinVar (database versions not stated): ExAC 0.00001.

Submission:

Labcorp Genetics (formerly Invitae), Labcorp
Classification: Uncertain significance. Last evaluated: 2025-09-10. Review status: criteria provided, single submitter. Criteria: Invitae Variant Classification Sherloc (09022015). Collection method: clinical testing. Allele origin: germline.
Comment: This sequence change replaces alanine, which is neutral and non-polar, with threonine, which is neutral and polar, at codon 357 of the ANXA11 protein (p.Ala357Thr). This variant is present in population databases (rs760637842, gnomAD 0.003%). This variant has not been reported in the literature in individuals affected with ANXA11-related conditions. ClinVar contains an entry for this variant (Variation ID: 2071174). An algorithm developed to predict the effect of missense changes on protein structure and function (PolyPhen-2) suggests that this variant is likely to be disruptive. In summary, the available evidence is currently insufficient to determine the role of this variant in disease. Therefore, it has been classified as a Variant of Uncertain Significance.